The following is an entry in ClinVar:

ClinVar aggregate classification (germline): Likely pathogenic. Review status: criteria provided, multiple submitters, no conflicts (2 of 4 stars). 2 submissions from 2 submitters: Likely pathogenic (2). Last evaluated 2023-10-23.

Conditions:
PDE6B-related disorder. Also called: PDE6B-related disorders; PDE6B-related disease; PDE6B-related condition.

Allele frequency attached by ClinVar (database versions not stated): gnomAD exomes below 0.00001.
gnomAD v4.1: 1 of 1,610,622 alleles (0.000062%); highest among the groups gnomAD compares: Non-Finnish European, 0.000085%; no homozygotes.

Submissions (2):

Blueprint Genetics
Classification: Likely pathogenic for PDE6B-related disorders. Last evaluated: 2023-10-23. Review status: criteria provided, single submitter. Criteria: ACMG Guidelines, 2015. Collection method: clinical testing. Allele origin: germline. Affected: yes. Observed: 2 variant alleles.

Labcorp Genetics (formerly Invitae), Labcorp
Classification: Likely pathogenic. Last evaluated: 2020-09-24. Review status: criteria provided, single submitter. Criteria: Invitae Variant Classification Sherloc (09022015). Collection method: clinical testing. Allele origin: germline.
Comment: In summary, the currently available evidence indicates that the variant is pathogenic, but additional data are needed to prove that conclusively. Therefore, this variant has been classified as Likely Pathogenic. Donor and acceptor splice site variants typically lead to a loss of protein function (PMID: 16199547), and loss-of-function variants in PDE6B are known to be pathogenic (PMID: 8394174, 8595886, 22334370). Algorithms developed to predict the effect of sequence changes on RNA splicing suggest that this variant may disrupt the consensus splice site, but this prediction has not been confirmed by published transcriptional studies. This variant has not been reported in the literature in individuals with PDE6B-related conditions. This variant is not present in population databases (ExAC no frequency). This sequence change affects an acceptor splice site in intron 15 of the PDE6B gene. It is expected to disrupt RNA splicing and likely results in an absent or disrupted protein product.

Literature cited by the submitters: PubMed 16199547 (cited by Labcorp Genetics (formerly Invitae), Labcorp); PubMed 8394174 (cited by Labcorp Genetics (formerly Invitae), Labcorp); PubMed 8595886 (cited by Labcorp Genetics (formerly Invitae), Labcorp); PubMed 22334370 (cited by Labcorp Genetics (formerly Invitae), Labcorp).

NM_000283.4(PDE6B):c.1921-2A>G

Gene: PDE6B (phosphodiesterase 6B; plus strand). Cytogenetic location: 4p16.3.
Variant type: single nucleotide variant.
Coding change: c.1921-2A>G on transcript NM_000283.4 (MANE Select); the canonical splice acceptor site of the intron before coding-DNA position 1921, A replaced by G.
Molecular consequence: splice acceptor variant.
Genome position (GRCh38, 1-based): chr4:663,768, A>G. VCF-style: chr4-663768-A-G. GRCh37 (hg19) VCF-style: chr4-657557-A-G.
Other names: c.1921-2A>G (NM_001145291.2); c.1084-2A>G (NM_001379246.1, NM_001379247.1, NM_001145292.2 and 1 more transcripts); c.766-2A>G (NM_001350155.3).
Identifiers: ClinVar variation 1066122 (VCV001066122.8), dbSNP rs1469569680, ClinGen allele CA355918093.